The following is an entry in ClinVar:

ClinVar aggregate classification (germline): Likely pathogenic (1 of 4 stars; one submission).

Conditions:
Phenylketonuria (PKU). Also called: FOLLING DISEASE; OLIGOPHRENIA PHENYLPYRUVICA; Phenylketonurias; Phenylketonuria (PKU). Identifiers: Orphanet 716, MedGen C0031485, MONDO:0009861, OMIM 261600. Disease mechanism: loss of function.

Submission:

Natera, Inc.
Classification: Likely pathogenic for Phenylketonuria. Last evaluated: 2025-04-07. Review status: criteria provided, single submitter. Criteria: Natera Variant Classification Schema (03/2026). Collection method: clinical testing. Allele origin: germline.
Comment: The c.1217T>G variant in PAH is a missense variant predicted to cause substitution of isoleucine to arginine at amino acid 406. This variant is rare in the general population with a frequency below the threshold expected for the associated phenotype(s). This variant has been observed in one or more individuals affected with the associated recessive disease, as either homozygous or compound heterozygous with a second variant (PMID: 36104584). A different variant at the same position has been determined to be Pathogenic or Likely Pathogenic. Computational prediction algorithms indicate this variant is likely to affect gene or protein function. Given the available evidence, this variant is classified as Likely Pathogenic.

Literature cited by the submitters: PubMed 36104584.

NM_000277.3(PAH):c.1217T>G (p.Ile406Arg)

Gene: PAH (phenylalanine hydroxylase; minus strand). Cytogenetic location: 12q23.2.
Variant type: single nucleotide variant.
Coding change: c.1217T>G on transcript NM_000277.3 (MANE Select); coding-DNA position 1217, T replaced by G.
Protein change: p.Ile406Arg; replaces isoleucine 406 with arginine.
Molecular consequence: missense variant.
Genome position (GRCh38, 1-based): chr12:102,840,498, A>C on the plus strand (T>G on the coding strand, the complement: PAH is on the minus strand). VCF-style: chr12-102840498-A-C. GRCh37 (hg19) VCF-style: chr12-103234276-A-C.
Other names: c.1217T>G, p.Ile406Arg (NM_001354304.2); short protein forms I406R.
Identifiers: ClinVar variation 4818086 (VCV004818086.1).